The following is an entry in ClinVar:

NM_018489.3(ASH1L):c.1791A>G (p.Glu597=)

Gene: ASH1L (ASH1 like histone lysine methyltransferase; minus strand). Cytogenetic location: 1q22.
Variant type: single nucleotide variant.
Coding change: c.1791A>G on transcript NM_018489.3 (MANE Select); coding-DNA position 1791, A replaced by G.
Protein change: p.Glu597=; no amino-acid change (glutamic acid 597 retained).
Molecular consequence: synonymous variant.
Genome position (GRCh38, 1-based): chr1:155,481,079, T>C on the plus strand (A>G on the coding strand, the complement: ASH1L is on the minus strand). VCF-style: chr1-155481079-T-C. GRCh37 (hg19) VCF-style: chr1-155450870-T-C.
Other names: c.1791A>G, p.Glu597= (NM_001366177.2).
Identifiers: ClinVar variation 3054453 (VCV003054453.2), dbSNP rs780576701, ClinGen allele CA1147296.

ClinVar aggregate classification (germline): Likely benign (0 of 4 stars; one submission).

Conditions:
ASH1L-related disorder. Also called: ASH1L-related condition.

Allele frequency attached by ClinVar (database versions not stated): gnomAD exomes 0.00001; ExAC 0.00002; gnomAD 0.00007; TOPMed 0.00009.
gnomAD v4.1: 29 of 1,613,970 alleles (0.0018%); highest among the groups gnomAD compares: African/African-American, 0.033%; 1 homozygote.

Submission:

PreventionGenetics, part of Exact Sciences
Classification: Likely benign for ASH1L-related condition. Last evaluated: 2023-07-05. Review status: no assertion criteria provided. Collection method: clinical testing. Allele origin: germline.
Comment: This variant is classified as likely benign based on ACMG/AMP sequence variant interpretation guidelines (Richards et al. 2015 PMID: 25741868, with internal and published modifications).